The following is an entry in ClinVar:

ClinVar aggregate classification (germline): Pathogenic (1 of 4 stars; one submission).

Conditions:
Hereditary cancer-predisposing syndrome. Also called: Hereditary Cancer Syndrome; Hereditary neoplastic syndrome; Neoplastic Syndromes, Hereditary; Tumor predisposition. Identifiers: Orphanet 140162, MedGen C0027672, MeSH D009386, MONDO:0015356.

Submission:

Ambry Genetics
Classification: Pathogenic for Hereditary cancer-predisposing syndrome. Last evaluated: 2018-03-07. Review status: criteria provided, single submitter. Criteria: Ambry Variant Classification Scheme 2023. Collection method: clinical testing. Allele origin: germline.
Comment: The c.452delGinsCA pathogenic mutation, located in coding exon 5 of the PMS2 gene, results from the deletion of one nucleotide and insertion of two nucleotides causing a translational frameshift with a predicted alternate stop codon (p.R151Pfs*21). This alteration is expected to result in loss of function by premature protein truncation or nonsense-mediated mRNA decay. As such, this alteration is interpreted as a disease-causing mutation.

NM_000535.7(PMS2):c.452delinsCA (p.Arg151fs)

Gene: PMS2 (PMS1 homolog 2, mismatch repair system component; minus strand). Cytogenetic location: 7p22.1.
Variant type: Indel.
Coding change: c.452delinsCA on transcript NM_000535.7 (MANE Select); coding-DNA position 452, G replaced by CA.
Protein change: p.Arg151fs; shifts the reading frame from arginine 151.
Molecular consequence: frameshift variant. On other transcripts: 5 prime UTR variant (2), non-coding transcript variant (1).
Genome position (GRCh38, 1-based): chr7:6,002,538, C replaced by TG on the plus strand (G replaced by CA on the coding strand, the reverse complement: PMS2 is on the minus strand). VCF-style: chr7-6002538-C-TG. GRCh37 (hg19) VCF-style: chr7-6042169-C-TG.
Other names: c.47delinsCA, p.Arg16fs (NM_001322009.2, NM_001322010.2, NM_001322013.2 and 3 more transcripts); c.-433delinsCA (NM_001322011.2, NM_001322012.2); c.452delinsCA, p.Arg151fs (NM_001322014.2, NM_001322006.2); c.143delinsCA, p.Arg48fs (NM_001322015.2); c.638delGinsCA, p.Arg213Profs (NM_001406866.1); c.476delGinsCA, p.Arg159Profs (NM_001406868.1); c.452delGinsCA, p.Arg151Profs (NM_001406869.1, NM_001406870.1, NM_001406871.1 and 6 more transcripts); c.143delGinsCA, p.Arg48Profs (NM_001406875.1, NM_001406877.1, NM_001406878.1 and 5 more transcripts); and 3 more; short protein forms R48fs, R151fs, R16fs, R45fs.
Identifiers: ClinVar variation 1741265 (VCV001741265.2), dbSNP rs2536443134, ClinGen allele CA2580076812.